The following is an entry in ClinVar:

NM_002878.4(RAD51D):c.341C>T (p.Thr114Ile)

Genes: RAD51D (RAD51 paralog D; minus strand), RAD51L3-RFFL (RAD51L3-RFFL readthrough; minus strand). Cytogenetic location: 17q12.
Variant type: single nucleotide variant.
Coding change: c.341C>T on transcript NM_002878.4 (MANE Select); coding-DNA position 341, C replaced by T.
Protein change: p.Thr114Ile; replaces threonine 114 with isoleucine.
Molecular consequence: missense variant. On other transcripts: non-coding transcript variant (2), intron variant (1).
Genome position (GRCh38, 1-based): chr17:35,107,370, G>A on the plus strand (C>T on the coding strand, the complement: RAD51D is on the minus strand). VCF-style: chr17-35107370-G-A. GRCh37 (hg19) VCF-style: chr17-33434389-G-A.
Other names: c.401C>T, p.Thr134Ile (NM_001142571.2); c.145-889C>T (NM_133629.3); short protein forms T134I, T114I.
Identifiers: ClinVar variation 945947 (VCV000945947.10), dbSNP rs2091619941, ClinGen allele CA399089887.

ClinVar aggregate classification (germline): Uncertain significance. Review status: criteria provided, multiple submitters, no conflicts (2 of 4 stars). 2 submissions from 2 submitters: Uncertain significance (2). Last evaluated 2025-10-29.

Conditions:
Breast-ovarian cancer, familial, susceptibility to, 4. Identifiers: Orphanet 145, MedGen C3280345, MONDO:0013669, OMIM 614291.
Hereditary cancer-predisposing syndrome. Also called: Neoplastic Syndromes, Hereditary; Hereditary Cancer Syndrome; Tumor predisposition; Hereditary neoplastic syndrome. Identifiers: Orphanet 140162, MedGen C0027672, MeSH D009386, MONDO:0015356.

Submissions (2):

Labcorp Genetics (formerly Invitae), Labcorp
Classification: Uncertain significance for Breast-ovarian cancer, familial, susceptibility to, 4. Last evaluated: 2025-10-29. Review status: criteria provided, single submitter. Criteria: Invitae Variant Classification Sherloc (09022015). Collection method: clinical testing. Allele origin: germline.
Comment: This sequence change replaces threonine, which is neutral and polar, with isoleucine, which is neutral and non-polar, at codon 114 of the RAD51D protein (p.Thr114Ile). This variant is not present in population databases (gnomAD no frequency). This variant has not been reported in the literature in individuals affected with RAD51D-related conditions. ClinVar contains an entry for this variant (Variation ID: 945947). Invitae Evidence Modeling of protein sequence and biophysical properties (such as structural, functional, and spatial information, amino acid conservation, physicochemical variation, residue mobility, and thermodynamic stability) indicates that this missense variant is expected to disrupt RAD51D protein function with a positive predictive value of 80%. In summary, the available evidence is currently insufficient to determine the role of this variant in disease. Therefore, it has been classified as a Variant of Uncertain Significance.

Ambry Genetics
Classification: Uncertain significance for Hereditary cancer-predisposing syndrome. Last evaluated: 2025-03-31. Review status: criteria provided, single submitter. Criteria: Ambry Variant Classification Scheme 2023. Collection method: clinical testing. Allele origin: germline.
Comment: The p.T114I variant (also known as c.341C>T), located in coding exon 4 of the RAD51D gene, results from a C to T substitution at nucleotide position 341. The threonine at codon 114 is replaced by isoleucine, an amino acid with similar properties. This amino acid position is highly conserved in available vertebrate species. In addition, this alteration is predicted to be deleterious by in silico analysis. Based on the available evidence, the clinical significance of this variant remains unclear.